The following is an entry in ClinVar:

ClinVar aggregate classification (germline): Uncertain significance (1 of 4 stars; one submission).

Submission:

Labcorp Genetics (formerly Invitae), Labcorp
Classification: Uncertain significance. Last evaluated: 2024-04-26. Review status: criteria provided, single submitter. Criteria: Invitae Variant Classification Sherloc (09022015). Collection method: clinical testing. Allele origin: germline.
Comment: This sequence change replaces valine, which is neutral and non-polar, with methionine, which is neutral and non-polar, at codon 853 of the KCNH1 protein (p.Val853Met). This variant is not present in population databases (gnomAD no frequency). This variant has not been reported in the literature in individuals affected with KCNH1-related conditions. Advanced modeling of protein sequence and biophysical properties (such as structural, functional, and spatial information, amino acid conservation, physicochemical variation, residue mobility, and thermodynamic stability) performed at Invitae indicates that this missense variant is not expected to disrupt KCNH1 protein function with a negative predictive value of 95%. In summary, the available evidence is currently insufficient to determine the role of this variant in disease. Therefore, it has been classified as a Variant of Uncertain Significance.

NM_172362.3(KCNH1):c.2557G>A (p.Val853Met)

Gene: KCNH1 (potassium voltage-gated channel subfamily H member 1; minus strand). Cytogenetic location: 1q32.2.
Variant type: single nucleotide variant.
Coding change: c.2557G>A on transcript NM_172362.3 (MANE Select); coding-DNA position 2557, G replaced by A.
Protein change: p.Val853Met; replaces valine 853 with methionine.
Molecular consequence: missense variant.
Genome position (GRCh38, 1-based): chr1:210,683,694, C>T on the plus strand (G>A on the coding strand, the complement: KCNH1 is on the minus strand). VCF-style: chr1-210683694-C-T. GRCh37 (hg19) VCF-style: chr1-210857036-C-T.
Other names: c.2476G>A, p.Val826Met (NM_002238.4); short protein forms V826M, V853M.
Identifiers: ClinVar variation 3699376 (VCV003699376.2).